The following is an entry in ClinVar:

ClinVar aggregate classification (germline): Uncertain significance (1 of 4 stars; one submission).

Allele frequency attached by ClinVar (database versions not stated): TOPMed below 0.00001; gnomAD 0.00001.

Submission:

Labcorp Genetics (formerly Invitae), Labcorp
Classification: Uncertain significance. Last evaluated: 2023-10-05. Review status: criteria provided, single submitter. Criteria: Invitae Variant Classification Sherloc (09022015). Collection method: clinical testing. Allele origin: germline.
Comment: This sequence change replaces tyrosine, which is neutral and polar, with histidine, which is basic and polar, at codon 1116 of the AP3D1 protein (p.Tyr1116His). This variant is present in population databases (no rsID available, gnomAD 0.002%). This variant has not been reported in the literature in individuals affected with AP3D1-related conditions. An algorithm developed to predict the effect of missense changes on protein structure and function (PolyPhen-2) suggests that this variant is likely to be tolerated. In summary, the available evidence is currently insufficient to determine the role of this variant in disease. Therefore, it has been classified as a Variant of Uncertain Significance.

NM_001261826.3(AP3D1):c.3346T>C (p.Tyr1116His)

Gene: AP3D1 (adaptor related protein complex 3 subunit delta 1; minus strand). Cytogenetic location: 19p13.3.
Variant type: single nucleotide variant.
Coding change: c.3346T>C on transcript NM_001261826.3 (MANE Select); coding-DNA position 3346, T replaced by C.
Protein change: p.Tyr1116His; replaces tyrosine 1116 with histidine.
Molecular consequence: missense variant.
Genome position (GRCh38, 1-based): chr19:2,109,877, A>G on the plus strand (T>C on the coding strand, the complement: AP3D1 is on the minus strand). VCF-style: chr19-2109877-A-G. GRCh37 (hg19) VCF-style: chr19-2109876-A-G.
Other names: c.3310T>C, p.Tyr1104His (NM_001374799.1); c.3160T>C, p.Tyr1054His (NM_003938.8); short protein forms Y1054H, Y1104H, Y1116H.
Identifiers: ClinVar variation 3000274 (VCV003000274.3), dbSNP rs780390488, ClinGen allele CA403201091.